The following is an entry in ClinVar:

NM_017849.4(TMEM127):c.488A>C (p.Lys163Thr)

Gene: TMEM127 (transmembrane protein 127; minus strand). Cytogenetic location: 2q11.2.
Variant type: single nucleotide variant.
Coding change: c.488A>C on transcript NM_017849.4 (MANE Select); coding-DNA position 488, A replaced by C.
Protein change: p.Lys163Thr; replaces lysine 163 with threonine.
Molecular consequence: missense variant.
Genome position (GRCh38, 1-based): chr2:96,254,037, T>G on the plus strand (A>C on the coding strand, the complement: TMEM127 is on the minus strand). VCF-style: chr2-96254037-T-G. GRCh37 (hg19) VCF-style: chr2-96919775-T-G.
Other names: c.488A>C, p.Lys163Thr (NM_001193304.3); c.236A>C, p.Lys79Thr (NM_001407282.1, NM_001407283.1); short protein forms K163T, K79T.
Identifiers: ClinVar variation 4865719 (VCV004865719.1).

ClinVar aggregate classification (germline): Uncertain significance (1 of 4 stars; one submission).

Conditions:
Hereditary cancer-predisposing syndrome. Also called: Neoplastic Syndromes, Hereditary; Tumor predisposition; Hereditary Cancer Syndrome; Hereditary neoplastic syndrome. Identifiers: Orphanet 140162, MedGen C0027672, MeSH D009386, MONDO:0015356.

Submission:

Ambry Genetics
Classification: Uncertain significance for Hereditary cancer-predisposing syndrome. Last evaluated: 2026-03-31. Review status: criteria provided, single submitter. Criteria: Ambry Variant Classification Scheme 2023. Collection method: clinical testing. Allele origin: germline.
Comment: The p.K163T variant (also known as c.488A>C), located in coding exon 3 of the TMEM127 gene, results from an A to C substitution at nucleotide position 488. The lysine at codon 163 is replaced by threonine, an amino acid with similar properties. This amino acid position is highly conserved in available vertebrate species. In addition, this alteration is predicted to be deleterious by in silico analysis. Based on the available evidence, the clinical significance of this variant remains unclear.